The following is an entry in ClinVar:

NM_138694.4(PKHD1):c.985G>A (p.Gly329Arg)

Gene: PKHD1 (PKHD1 ciliary IPT domain containing fibrocystin/polyductin; minus strand). Cytogenetic location: 6p12.2.
Variant type: single nucleotide variant.
Coding change: c.985G>A on transcript NM_138694.4 (MANE Select); coding-DNA position 985, G replaced by A.
Protein change: p.Gly329Arg; replaces glycine 329 with arginine.
Molecular consequence: missense variant.
Genome position (GRCh38, 1-based): chr6:52,062,652, C>T on the plus strand (G>A on the coding strand, the complement: PKHD1 is on the minus strand). VCF-style: chr6-52062652-C-T. GRCh37 (hg19) VCF-style: chr6-51927450-C-T.
Other names: c.985G>A, p.Gly329Arg (NM_170724.3); short protein forms G329R.
Identifiers: ClinVar variation 1697201 (VCV001697201.2), dbSNP rs2128219129, ClinGen allele CA364428964.
Genomic context (GRCh38, chr6:52,062,652, plus strand): 5'-CTGGGGTGGCTTCAGTCAGTTCCAGTCCCTCAACAGCATCTCCAACTTCAAAAAGAAGCC[C>T]TCGATTGCCTGTAAGACATGTAGATCGCATAAACATTACAGGGCGCACCTTCCCAAATTG-3'
Protein context (NP_619639.3, residues 319-339): RLTTPQPGNR[Gly329Arg]LLFEVGDAVE

ClinVar aggregate classification (germline): Uncertain significance (1 of 4 stars; one submission).

Allele frequency attached by ClinVar (database versions not stated): gnomAD exomes below 0.00001.
gnomAD v4.1: 1 of 1,614,112 alleles (0.000062%); highest among the groups gnomAD compares: Non-Finnish European, 0.000085%; no homozygotes.

Submission:

GeneDx
Classification: Uncertain significance. Last evaluated: 2022-01-18. Review status: criteria provided, single submitter. Criteria: GeneDx Variant Classification Process June 2021. Collection method: clinical testing. Allele origin: germline. Affected: yes.
Comment: Not observed at significant frequency in large population cohorts (gnomAD); In silico analysis supports that this missense variant has a deleterious effect on protein structure/function; Has not been previously published as pathogenic or benign to our knowledge